The following is an entry in ClinVar:

NM_001271.4(CHD2):c.3294del (p.Ser1099fs)

Gene: CHD2 (chromodomain helicase DNA binding protein 2; plus strand). Cytogenetic location: 15q26.1.
Variant type: Deletion.
Coding change: c.3294del on transcript NM_001271.4 (MANE Select); coding-DNA position 3294, one base deleted (C; older notation c.3294delC).
Protein change: p.Ser1099fs; shifts the reading frame from serine 1099.
Molecular consequence: frameshift variant.
Genome position (GRCh38, 1-based): chr15:92,985,554, C deleted; the last of 2 consecutive C bases (chr15:92,985,553-92,985,554); deleting either gives the same sequence. VCF-style (leftmost placement, unchanged base first): chr15-92985552-TC-T. GRCh37 (hg19) VCF-style: chr15-93528782-TC-T.
Other names: short protein forms S1099fs.
Identifiers: ClinVar variation 4293367 (VCV004293367.1).

ClinVar aggregate classification (germline): Likely pathogenic (1 of 4 stars; one submission).

Conditions:
Developmental and epileptic encephalopathy 94 (DEE94). Also called: CHD2-Related Neurodevelopmental Disorders; Epileptic encephalopathy, childhood-onset. Identifiers: Orphanet 1942, Orphanet 2382, MedGen C3809278, MONDO:0014150, OMIM 615369.

Submission:

3billion
Classification: Likely pathogenic for Developmental and epileptic encephalopathy 94. Last evaluated: 2024-11-27. Review status: criteria provided, single submitter. Criteria: ACMG Guidelines, 2015. Collection method: clinical testing. Allele origin: germline. Affected: yes.
Comment: The variant is not observed in the gnomAD v4.1.0 dataset. Predicted Consequence/Location: Frameshift: predicted to result in a loss or disruption of normal protein function through nonsense-mediated decay (NMD) or protein truncation. Multiple pathogenic variants are reported downstream of the variant. Therefore, this variant is classified as Likely pathogenic according to the recommendation of ACMG/AMP guideline.